The following is an entry in ClinVar:

NM_018896.5(CACNA1G):c.5125C>T (p.Arg1709Cys)

Gene: CACNA1G (calcium voltage-gated channel subunit alpha1 G; plus strand). Cytogenetic location: 17q21.33.
Variant type: single nucleotide variant.
Coding change: c.5125C>T on transcript NM_018896.5 (MANE Select); coding-DNA position 5125, C replaced by T.
Protein change: p.Arg1709Cys; replaces arginine 1709 with cysteine.
Molecular consequence: missense variant. On other transcripts: non-coding transcript variant (5).
Genome position (GRCh38, 1-based): chr17:50,617,541, C>T. VCF-style: chr17-50617541-C-T. GRCh37 (hg19) VCF-style: chr17-48694902-C-T.
Other names: c.5071C>T, p.Arg1691Cys (NM_001256324.2, NM_001256328.2, NM_198386.3); c.5146C>T, p.Arg1716Cys (NM_001256325.2); c.4990C>T, p.Arg1664Cys (NM_001256326.2, NM_001256330.2); c.5125C>T, p.Arg1709Cys (NM_001256327.2, NM_001256333.2, NM_198384.3 and 1 more transcripts); c.5023C>T, p.Arg1675Cys (NM_001256329.2, NM_198376.3, NM_198379.3 and 2 more transcripts); c.4969C>T, p.Arg1657Cys (NM_001256331.2); c.4954C>T, p.Arg1652Cys (NM_001256332.2); c.5092C>T, p.Arg1698Cys (NM_001256334.2, NM_198377.3, NM_198378.3 and 1 more transcripts); and 5 more; short protein forms R1652C, R1657C, R1664C, R1668C, R1671C, R1673C, R1675C, R1682C.
Identifiers: ClinVar variation 1683701 (VCV001683701.2), dbSNP rs1361597066, ClinGen allele CA400263172.

ClinVar aggregate classification (germline): Uncertain significance (1 of 4 stars; one submission).

Conditions:
Spinocerebellar ataxia 42, early-onset, severe, with neurodevelopmental deficits. Identifiers: MedGen C4748120, MONDO:0060758, OMIM 618087.

gnomAD v4.1: 4 of 1,614,048 alleles (0.00025%); highest among the groups gnomAD compares: African/African-American, 0.0013%; no homozygotes.

Submission:

Laboratorio de Genetica e Diagnostico Molecular, Hospital Israelita Albert Einstein
Classification: Uncertain significance for Spinocerebellar ataxia 42, early-onset, severe, with neurodevelopmental deficits. Last evaluated: 2022-02-08. Review status: criteria provided, single submitter. Criteria: ACMG Guidelines, 2015. Collection method: clinical testing. Allele origin: germline. Affected: yes.
Comment: ACMG classification criteria: PM2 moderate, PP3 supporting